The following is an entry in ClinVar:

ClinVar aggregate classification (germline): Uncertain significance (1 of 4 stars; one submission).

Conditions:
Adenylosuccinate lyase deficiency (ADSLD). Also called: ADSL DEFICIENCY. Identifiers: Orphanet 46, MedGen C0268126, MONDO:0007068, OMIM 103050.

Submission:

Labcorp Genetics (formerly Invitae), Labcorp
Classification: Uncertain significance for Adenylosuccinate lyase deficiency. Last evaluated: 2022-02-27. Review status: criteria provided, single submitter. Criteria: Invitae Variant Classification Sherloc (09022015). Collection method: clinical testing. Allele origin: germline.
Comment: In summary, the available evidence is currently insufficient to determine the role of this variant in disease. Therefore, it has been classified as a Variant of Uncertain Significance. Experimental studies and prediction algorithms are not available or were not evaluated, and the functional significance of this variant is currently unknown. This variant has not been reported in the literature in individuals affected with ADSL-related conditions. This variant is not present in population databases (gnomAD no frequency). This variant occurs in a non-coding region of the ADSL gene. It does not change the encoded amino acid sequence of the ADSL protein.

NC_000022.11:g.40345978C>G

Gene: ADSL (adenylosuccinate lyase; plus strand). Cytogenetic location: 22q13.1.
Variant type: single nucleotide variant.
Genome position: GRCh38 VCF-style: chr22-40345978-C-G. GRCh37 (hg19) VCF-style: chr22-40741982-C-G.
Identifiers: ClinVar variation 2103871 (VCV002103871.5), dbSNP rs2518075142, ClinGen allele CA2580099828.
Genomic context (GRCh38, chr22:40,345,978, plus strand): 5'-CCGCAGCCGGCTCACTGGGGGCGCAGTAAATGCCGATTTCCCTTGGGTATCTTCATTTCT[C>G]CTTAGAGCCGAGCTCGGTGCGCCGCGGGCAGGAGTGGGTGGGGCGACAGTAATAAGAGTA-3'